The following is an entry in ClinVar:

NC_000007.13:g.(?_33169151)_(33185977_33192312)dup

Gene: BBS9 (Bardet-Biedl syndrome 9; plus strand). Cytogenetic location: 7p14.3.
Variant type: Duplication.
Identifiers: ClinVar variation 1677077 (VCV001677077.1).

ClinVar aggregate classification (germline): Uncertain significance (1 of 4 stars; one submission).

Submission:

Women's Health and Genetics/Laboratory Corporation of America, LabCorp
Classification: Uncertain significance. Last evaluated: 2022-03-09. Review status: criteria provided, single submitter. Criteria: LabCorp Variant Classification Summary - May 2015. Collection method: clinical testing. Allele origin: germline.
Comment: Variant summary: The variant identified by MLPA or other technology involves the duplication of exons 1-2 in the BBS9 gene, where exon 2 contains the initiator codon. The exact breakpoint at the 5' end of this variant is unknown and therefore this duplication might extend upstream of the assayed region of the BBS9 gene. A presumed nomenclature of c.(?_-514)_(112+1_113-1)dup has been designated for the purposes of this classification. It has been assumed that this is a tandem duplication in direct orientation (Richardson_GIM_2018, Newman_AJHG_2015). Since the exact breakpoints of this duplication are not known, it is not possible to predict the protein level effect of this variant. A variant involving the duplication of exons 1-2 together with a large DNA segment (~ 40 kbp) extending upstream of the gene (which also includes the RP9 gene) was found at a frequency of 0.001 in 21690 control chromosomes in the gnomAD database (structural variants dataset), including 1 homozygote. The observed variant frequency is approximately 2-fold of the estimated maximal expected allele frequency for a pathogenic variant in BBS9 causing Bardet-Biedl Syndrome phenotype (0.00054), strongly suggesting that this variant is benign. A similar large duplication variant (i.e. duplication of exons 1-2 of BBS9, extending further upstream of the gene, including the complete coding region of RP9) has been reported in heterozygous state in an individual affected with retinal dystrophy, however it was also identified in four unrelated WGS samples, and thus was not considered 'causal' by the authors (Ellingford_2018). This report does not provide unequivocal conclusions about association of the variant with Bardet-Biedl Syndrome. To our knowledge, no experimental evidence demonstrating an impact on protein function has been reported. One clinical diagnostic laboratory has submitted clinical-significance assessments for this variant to ClinVar after 2014, and classified the variant as uncertain significance. In conclusion, while it may be assumed that duplication variants including a large DNA segment upstream of the gene (i.e. containing essential promoter- and regulatory elements) might result in regular transcription initiation leading to in an intact protein product, shorter tandem duplication variants involving the first 2 exons, could result in a frameshift or in-frame duplication change causing disease. Since it is not possible to distinguish between these two outcomes in the context of this evaluation, the variant was classified as VUS.

Literature cited by the submitters: PubMed 29074561.